The following is an entry in ClinVar:

ClinVar aggregate classification (germline): Pathogenic (1 of 4 stars; one submission).

Conditions:
Pheochromocytoma. Also called: MAX-Related Hereditary Paraganglioma-Pheochromocytoma Syndrome. Identifiers: Orphanet 29072, MedGen C0031511, MONDO:0008233, OMIM 171300, HP:0002666.
Gastrointestinal stromal tumor. Also called: Gastrointestinal stroma tumor; Gastrointestinal stromal tumor, somatic. Identifiers: Orphanet 44890, MedGen C0238198, MeSH D046152, MONDO:0011719, OMIM 606764, HP:0100723.
Pheochromocytoma/paraganglioma syndrome 4. Also called: CAROTID BODY TUMORS AND MULTIPLE EXTRAADRENAL PHEOCHROMOCYTOMAS; PARAGANGLIOMA, FAMILIAL MALIGNANT; PARAGANGLIOMAS, HEREDITARY EXTRAADRENAL; PHEOCHROMOCYTOMA, FAMILIAL EXTRAADRENAL; Paragangliomas 4; SDHB-Related Hereditary Paraganglioma-Pheochromocytoma Syndrome (Paragangliomas 4). Identifiers: Orphanet 29072, MedGen C1861848, MONDO:0007273, OMIM 115310.

Submission:

Labcorp Genetics (formerly Invitae), Labcorp
Classification: Pathogenic for Gastrointestinal stromal tumor; Pheochromocytoma/paraganglioma syndrome 4; Pheochromocytoma. Last evaluated: 2022-05-14. Review status: criteria provided, single submitter. Criteria: Invitae Variant Classification Sherloc (09022015). Collection method: clinical testing. Allele origin: germline.
Comment: This variant is a gross deletion of the genomic region encompassing exon(s) 1-3 of the SDHB gene, which includes the initiator codon. This deletion extends beyond the assayed region for this gene and therefore may encompass additional genes. It is expected to result in an absent or disrupted protein product. Loss-of-function variants in SDHB are known to be pathogenic (PMID: 19454582, 19802898). A similar copy number variant has been observed in individual(s) with head and neck paragangliomas (PMID: 29292578). For these reasons, this variant has been classified as Pathogenic.

Literature cited by the submitters: PubMed 19454582; PubMed 19802898; PubMed 29292578.

NC_000001.10:g.(?_17359545)_(17380514_?)del

Gene: SDHB (succinate dehydrogenase complex iron sulfur subunit B; minus strand). Cytogenetic location: 1p36.13.
Variant type: Deletion.
Identifiers: ClinVar variation 2424596 (VCV002424596.2).